The following is an entry in ClinVar:

ClinVar aggregate classification (germline): Uncertain significance (1 of 4 stars; one submission).

Allele frequency attached by ClinVar (database versions not stated): gnomAD exomes 0.00006 and 0.00013; TOPMed 0.00012; gnomAD 0.00014 and 0.00015; ExAC 0.00017; ESP Exome Variant Server 0.00023; 1000 Genomes Project 0.00040; 1000 Genomes Project 30x 0.00047.
gnomAD v4.1: 110 of 1,613,626 alleles (0.0068%); highest among the groups gnomAD compares: Non-Finnish European, 0.0079%; no homozygotes.

Submission:

Labcorp Genetics (formerly Invitae), Labcorp
Classification: Uncertain significance. Last evaluated: 2025-12-01. Review status: criteria provided, single submitter. Criteria: Invitae Variant Classification Sherloc (09022015). Collection method: clinical testing. Allele origin: germline.
Comment: This sequence change replaces threonine, which is neutral and polar, with methionine, which is neutral and non-polar, at codon 92 of the LRRC8A protein (p.Thr92Met). This variant is present in population databases (rs150865438, gnomAD 0.02%). This missense change has been observed in individual(s) with primary immunodeficiency disease (PMID: 27577878). ClinVar contains an entry for this variant (Variation ID: 1442334). An algorithm developed to predict the effect of missense changes on protein structure and function (PolyPhen-2) suggests that this variant is likely to be tolerated. In summary, the available evidence is currently insufficient to determine the role of this variant in disease. Therefore, it has been classified as a Variant of Uncertain Significance.

Literature cited by the submitters: PubMed 27577878.

NM_019594.4(LRRC8A):c.275C>T (p.Thr92Met)

Gene: LRRC8A (leucine rich repeat containing 8 VRAC subunit A; plus strand). Cytogenetic location: 9q34.11.
Variant type: single nucleotide variant.
Coding change: c.275C>T on transcript NM_019594.4 (MANE Select); coding-DNA position 275, C replaced by T.
Protein change: p.Thr92Met; replaces threonine 92 with methionine.
Molecular consequence: missense variant.
Genome position (GRCh38, 1-based): chr9:128,907,439, C>T. VCF-style: chr9-128907439-C-T. GRCh37 (hg19) VCF-style: chr9-131669718-C-T.
Other names: c.275C>T, p.Thr92Met (NM_001127244.2, NM_001127245.2); short protein forms T92M.
Identifiers: ClinVar variation 1442334 (VCV001442334.8), dbSNP rs150865438, ClinGen allele CA5270693.
Genomic context (GRCh38, chr9:128,907,439, plus strand): 5'-GGGCAGCCCCTGGCCCGGAGCCCACCTACCCCAACTCCACCATTCTGCCGACCCCTGACA[C>T]GGGCCCCACAGGCATCAAGTATGACCTGGACCGGCACCAGTACAACTACGTGGACGCTGT-3'
Protein context (NP_062540.2, residues 82-102): PNSTILPTPD[Thr92Met]GPTGIKYDLD